The following is an entry in ClinVar:

ClinVar aggregate classification (germline): Uncertain significance (1 of 4 stars; one submission).

Conditions:
Inborn genetic diseases. Identifiers: MedGen C0950123, MeSH D030342.

Allele frequency attached by ClinVar (database versions not stated): gnomAD exomes below 0.00001; TOPMed below 0.00001; gnomAD 0.00001; ExAC 0.00002.

Submission:

Ambry Genetics
Classification: Uncertain significance for Inborn genetic diseases. Last evaluated: 2021-11-03. Review status: criteria provided, single submitter. Criteria: Ambry Variant Classification Scheme 2023. Collection method: clinical testing. Allele origin: germline.
Comment: The p.R280C variant (also known as c.838C>T), located in coding exon 10 of the ERCC2 gene, results from a C to T substitution at nucleotide position 838. The arginine at codon 280 is replaced by cysteine, an amino acid with highly dissimilar properties. This amino acid position is conserved. In addition, the in silico prediction for this alteration is inconclusive. Since supporting evidence is limited at this time, the clinical significance of this alteration remains unclear.

NM_000400.4(ERCC2):c.838C>T (p.Arg280Cys)

Gene: ERCC2 (ERCC excision repair 2, TFIIH core complex helicase subunit; minus strand). Cytogenetic location: 19q13.32.
Variant type: single nucleotide variant.
Coding change: c.838C>T on transcript NM_000400.4 (MANE Select); coding-DNA position 838, C replaced by T.
Protein change: p.Arg280Cys; replaces arginine 280 with cysteine.
Molecular consequence: missense variant.
Genome position (GRCh38, 1-based): chr19:45,364,097, G>A on the plus strand (C>T on the coding strand, the complement: ERCC2 is on the minus strand). VCF-style: chr19-45364097-G-A. GRCh37 (hg19) VCF-style: chr19-45867355-G-A.
Other names: c.766C>T, p.Arg256Cys (NM_001130867.2); short protein forms R280C, R256C.
Identifiers: ClinVar variation 1763184 (VCV001763184.2), dbSNP rs781402308, ClinGen allele CA9513596.
Genomic context (GRCh38, chr19:45,364,097, plus strand): 5'-CCCGGGCGGCGCTGGCCTCCCGCAGCCCCTCCACCAGACGCCGGTACTCGTCCCGCAGGC[G>A]CTGCTCGTCTGTCTCTTTGATCCTGCGGAGAGATGAGCTGGGGCTGGGAGGGGGCTGGCA-3'
Protein context (NP_000391.1, residues 270-290): VLRIKETDEQ[Arg280Cys]LRDEYRRLVE